The following is an entry in ClinVar:

ClinVar aggregate classification (germline): Pathogenic. Review status: criteria provided, multiple submitters, no conflicts (2 of 4 stars). 3 submissions from 3 submitters: Pathogenic (3). Last evaluated 2023-09-19.

Conditions:
Hyperinsulinemic hypoglycemia, familial, 1 (HHF1). Also called: Persistent hyperinsulinemic hypoglycemia of infancy; HYPERINSULINISM, FAMILIAL, WITH PANCREATIC NESIDIOBLASTOSIS; HYPOGLYCEMIA, HYPERINSULINEMIC, OF INFANCY; NESIDIOBLASTOSIS OF PANCREAS; Persistent Hyperinsulinemia Hypoglycemia of Infancy. Identifiers: Orphanet 276575, Orphanet 276598, MedGen C2931832, MONDO:0009734, OMIM 256450.
Familial hyperinsulinism. Also called: Congenital hyperinsulinism. Identifiers: Orphanet 276525, MedGen C3888018, MONDO:0017182. Disease mechanism: loss of function.

Submissions (3):

Women's Health and Genetics/Laboratory Corporation of America, LabCorp
Classification: Pathogenic for Familial hyperinsulinism. Last evaluated: 2023-09-19. Review status: criteria provided, single submitter. Criteria: LabCorp Variant Classification Summary - May 2015. Collection method: clinical testing. Allele origin: germline.
Comment: Variant summary: ABCC8 c.1330C>T (p.Gln444X) results in a premature termination codon, predicted to cause absence of the protein due to nonsense mediated decay, a commonly known mechanism for disease. The variant was absent in 251458 control chromosomes (gnomAD). c.1330C>T has been reported in the literature in at least two individuals affected with Congenital Hyperinsulinism (e.g. Sharma_2022). These data indicate that the variant is likely associated with disease. To our knowledge, no experimental evidence demonstrating an impact on protein function has been reported. The following publication has been ascertained in the context of this evaluation (PMID: 34992182). No submitters have cited clinical-significance assessments for this variant to ClinVar after 2014. Based on the evidence outlined above, the variant was classified as pathogenic.

Labcorp Genetics (formerly Invitae), Labcorp
Classification: Pathogenic. Last evaluated: 2023-06-09. Review status: criteria provided, single submitter. Criteria: Invitae Variant Classification Sherloc (09022015). Collection method: clinical testing. Allele origin: germline.
Comment: For these reasons, this variant has been classified as Pathogenic. Algorithms developed to predict the effect of sequence changes on RNA splicing suggest that this variant may disrupt the consensus splice site. ClinVar contains an entry for this variant (Variation ID: 1526017). This premature translational stop signal has been observed in individual(s) with autosomal recessive diffuse or paternally inherited focal hyperinsulinism (PMID: 25117148, 30386300). This variant is not present in population databases (gnomAD no frequency). This sequence change creates a premature translational stop signal (p.Gln444*) in the ABCC8 gene. It is expected to result in an absent or disrupted protein product. Loss-of-function variants in ABCC8 are known to be pathogenic (PMID: 20685672, 23345197).

Molecular Genetics, Madras Diabetes Research Foundation
Classification: Pathogenic for Hyperinsulinemic hypoglycemia, familial, 1. Review status: criteria provided, single submitter. Criteria: ACMG Guidelines, 2015. Collection method: clinical testing. Allele origin: germline. Affected: yes.

Literature cited by the submitters: PubMed 34992182 (cited by Women's Health and Genetics/Laboratory Corporation of America, LabCorp); PubMed 25117148 (cited by Labcorp Genetics (formerly Invitae), Labcorp and Molecular Genetics, Madras Diabetes Research Foundation); PubMed 30386300 (cited by Labcorp Genetics (formerly Invitae), Labcorp); PubMed 20685672 (cited by Labcorp Genetics (formerly Invitae), Labcorp); PubMed 23345197 (cited by Labcorp Genetics (formerly Invitae), Labcorp).

NM_000352.6(ABCC8):c.1330C>T (p.Gln444Ter)

Gene: ABCC8 (ATP binding cassette subfamily C member 8; minus strand). Cytogenetic location: 11p15.1.
Variant type: single nucleotide variant.
Coding change: c.1330C>T on transcript NM_000352.6 (MANE Select); coding-DNA position 1330, C replaced by T.
Protein change: p.Gln444Ter; replaces glutamine 444 with a stop codon.
Molecular consequence: nonsense. On other transcripts: non-coding transcript variant (1).
Genome position (GRCh38, 1-based): chr11:17,448,518, G>A on the plus strand (C>T on the coding strand, the complement: ABCC8 is on the minus strand). VCF-style: chr11-17448518-G-A. GRCh37 (hg19) VCF-style: chr11-17470065-G-A.
Other names: c.1330C>T (NM_000352.4); c.1330C>T, p.Gln444Ter (NM_001287174.3, NM_001351295.2); c.1327C>T, p.Gln443Ter (NM_001351296.2, NM_001351297.2); short protein forms Q443*, Q444*.
Identifiers: ClinVar variation 1526017 (VCV001526017.5), dbSNP rs2133616750, ClinGen allele CA379768487.